The following is an entry in ClinVar:

ClinVar aggregate classification (germline): Uncertain significance. Review status: criteria provided, multiple submitters, no conflicts (2 of 4 stars). 6 submissions from 6 submitters: Uncertain significance (6). Last evaluated 2024-07-13.

Conditions:
Hereditary cancer-predisposing syndrome. Also called: Neoplastic Syndromes, Hereditary; Tumor predisposition; Hereditary Cancer Syndrome; Hereditary neoplastic syndrome. Identifiers: Orphanet 140162, MedGen C0027672, MeSH D009386, MONDO:0015356.
Hereditary nonpolyposis colorectal neoplasms. Identifiers: MedGen C0009405, MeSH D003123.
Lynch syndrome. Identifiers: Orphanet 144, MedGen C4552100, MONDO:0005835. Disease mechanism: loss of function.
Endometrial carcinoma. Also called: Endometrial carcinoma, somatic. Identifiers: MedGen C0476089, MONDO:0002447, OMIM 608089, HP:0012114.

Submissions (6):

Labcorp Genetics (formerly Invitae), Labcorp
Classification: Uncertain significance for Hereditary nonpolyposis colorectal neoplasms. Last evaluated: 2024-07-13. Review status: criteria provided, single submitter. Criteria: Invitae Variant Classification Sherloc (09022015). Collection method: clinical testing. Allele origin: germline.
Comment: This sequence change replaces glutamic acid, which is acidic and polar, with aspartic acid, which is acidic and polar, at codon 1090 of the MSH6 protein (p.Glu1090Asp). This variant is not present in population databases (gnomAD no frequency). This missense change has been observed in individual(s) with breast cancer (PMID: 35264596). ClinVar contains an entry for this variant (Variation ID: 233061). Advanced modeling of protein sequence and biophysical properties (such as structural, functional, and spatial information, amino acid conservation, physicochemical variation, residue mobility, and thermodynamic stability) performed at Invitae indicates that this missense variant is not expected to disrupt MSH6 protein function with a negative predictive value of 95%. In summary, the available evidence is currently insufficient to determine the role of this variant in disease. Therefore, it has been classified as a Variant of Uncertain Significance.

Color Diagnostics, LLC DBA Color Health
Classification: Uncertain significance for Hereditary cancer-predisposing syndrome. Last evaluated: 2024-03-06. Review status: criteria provided, single submitter. Criteria: ACMG Guidelines, 2015. Collection method: clinical testing. Allele origin: germline.
Comment: This missense variant replaces glutamic acid with aspartic acid at codon 1090 of the MSH6 protein. Computational prediction suggests that this variant may not impact protein structure and function (internally defined REVEL score threshold <= 0.5, PMID: 27666373). To our knowledge, functional studies have not been reported for this variant. This variant has not been reported in individuals affected with hereditary cancer in the literature. This variant has not been identified in the general population by the Genome Aggregation Database (gnomAD). The available evidence is insufficient to determine the role of this variant in disease conclusively. Therefore, this variant is classified as a Variant of Uncertain Significance.

Ambry Genetics
Classification: Uncertain significance for Hereditary cancer-predisposing syndrome. Last evaluated: 2024-01-03. Review status: criteria provided, single submitter. Criteria: Ambry Variant Classification Scheme 2023. Collection method: clinical testing. Allele origin: germline.
Comment: The p.E1090D variant (also known as c.3270G>C), located in coding exon 5 of the MSH6 gene, results from a G to C substitution at nucleotide position 3270. The glutamic acid at codon 1090 is replaced by aspartic acid, an amino acid with highly similar properties. This amino acid position is not well conserved in available vertebrate species. In addition, this alteration is predicted to be tolerated by in silico analysis. Since supporting evidence is limited at this time, the clinical significance of this alteration remains unclear.

Baylor Genetics
Classification: Uncertain significance for Endometrial carcinoma. Last evaluated: 2023-12-17. Review status: criteria provided, single submitter. Criteria: ACMG Guidelines, 2015. Collection method: clinical testing. Allele origin: unknown.

ARUP Laboratories, Molecular Genetics and Genomics, ARUP Laboratories
Classification: Uncertain significance. Last evaluated: 2019-03-13. Review status: criteria provided, single submitter. Criteria: ARUP Molecular Germline Variant Investigation Process. Collection method: clinical testing. Allele origin: germline.
Comment: The MSH6 c.3270G>C; p.Glu1090Asp variant (rs876660165), to our knowledge, is not described as a germline variant in the medical literature but contains an entry in ClinVar (Variation ID: 233061). It is absent from general population databases (Exome Variant Server and Genome Aggregation Database), indicating it is not a common polymorphism. The glutamic acid at codon 1090 is moderately conserved, but computational algorithms (PolyPhen-2, SIFT) predict that this variant is tolerated. However, due to the lack of clinical and functional data regarding this variant, its clinical significance cannot be determined with certainty.

Mendelics
Classification: Uncertain significance for Lynch syndrome. Last evaluated: 2018-07-02. Review status: criteria provided, single submitter. Criteria: Mendelics Assertion Criteria 2017. Collection method: clinical testing. Allele origin: unknown.

Literature cited by the submitters: PubMed 35264596 (cited by Labcorp Genetics (formerly Invitae), Labcorp).

NM_000179.3(MSH6):c.3270G>C (p.Glu1090Asp)

Gene: MSH6 (mutS homolog 6; plus strand). Cytogenetic location: 2p16.3.
Variant type: single nucleotide variant.
Coding change: c.3270G>C on transcript NM_000179.3 (MANE Select); coding-DNA position 3270, G replaced by C.
Protein change: p.Glu1090Asp; replaces glutamic acid 1090 with aspartic acid.
Molecular consequence: missense variant.
Genome position (GRCh38, 1-based): chr2:47,803,517, G>C. VCF-style: chr2-47803517-G-C. GRCh37 (hg19) VCF-style: chr2-48030656-G-C.
Other names: c.2880G>C, p.Glu960Asp (NM_001281492.2); c.2364G>C, p.Glu788Asp (NM_001281493.2, NM_001281494.2); short protein forms E1090D, E788D, E960D.
Identifiers: ClinVar variation 233061 (VCV000233061.26), dbSNP rs876660165, ClinGen allele CA10578135.